The following is an entry in ClinVar:

ClinVar aggregate classification (germline): Uncertain significance (1 of 4 stars; one submission).

Conditions:
Ataxia-telangiectasia syndrome (AT). Also called: Ataxia-telangiectasia, complementation group D; AT, COMPLEMENTATION GROUP C; ATAXIA-TELANGIECTASIA, COMPLEMENTATION GROUP A; ATAXIA-TELANGIECTASIA, FRESNO VARIANT; Ataxia-telangiectasia; Cerebello-oculocutaneous telangiectasia. Identifiers: Orphanet 100, MedGen C0004135, MONDO:0008840, OMIM 208900.

Submission:

Labcorp Genetics (formerly Invitae), Labcorp
Classification: Uncertain significance for Ataxia-telangiectasia syndrome. Last evaluated: 2025-04-07. Review status: criteria provided, single submitter. Criteria: Invitae Variant Classification Sherloc (09022015). Collection method: clinical testing. Allele origin: germline.
Comment: This sequence change replaces valine, which is neutral and non-polar, with isoleucine, which is neutral and non-polar, at codon 182 of the ATM protein (p.Val182Ile). This variant is not present in population databases (gnomAD no frequency). This variant has not been reported in the literature in individuals affected with ATM-related conditions. ClinVar contains an entry for this variant (Variation ID: 1006762). Invitae Evidence Modeling of protein sequence and biophysical properties (such as structural, functional, and spatial information, amino acid conservation, physicochemical variation, residue mobility, and thermodynamic stability) indicates that this missense variant is not expected to disrupt ATM protein function with a negative predictive value of 95%. In summary, the available evidence is currently insufficient to determine the role of this variant in disease. Therefore, it has been classified as a Variant of Uncertain Significance.

NM_000051.4(ATM):c.544G>A (p.Val182Ile)

Gene: ATM (ATM serine/threonine kinase; plus strand). Cytogenetic location: 11q22.3.
Variant type: single nucleotide variant.
Coding change: c.544G>A on transcript NM_000051.4 (MANE Select); coding-DNA position 544, G replaced by A.
Protein change: p.Val182Ile; replaces valine 182 with isoleucine.
Molecular consequence: missense variant.
Genome position (GRCh38, 1-based): chr11:108,244,000, G>A. VCF-style: chr11-108244000-G-A. GRCh37 (hg19) VCF-style: chr11-108114727-G-A.
Other names: c.544G>A, p.Val182Ile (NM_001351834.2); short protein forms V182I.
Identifiers: ClinVar variation 1006762 (VCV001006762.8), dbSNP rs3218707, ClinGen allele CA382527668.